The following is an entry in ClinVar:

ClinVar aggregate classification (germline): Uncertain significance (1 of 4 stars; one submission).

Conditions:
Wiedemann-Steiner syndrome (WDSTS). Also called: Growth deficiency and mental retardation with facial dysmorphism. Identifiers: Orphanet 319182, MedGen C1854630, MONDO:0011518, OMIM 605130.

Submission:

3billion
Classification: Uncertain significance for Wiedemann-Steiner syndrome. Last evaluated: 2025-01-08. Review status: criteria provided, single submitter. Criteria: ACMG Guidelines, 2015. Collection method: clinical testing. Allele origin: germline. Affected: yes.
Comment: The variant is not observed in the gnomAD v4.1.0 dataset. Predicted Consequence/Location: Intron variant In silico tools predict the variant to alter splicing and produce an abnormal transcript [SpliceAI: 0.92 (>=0.2, moderate evidence for spliceogenicity)]. Therefore, this variant is classified as VUS according to the recommendation of ACMG/AMP guideline.

NM_001197104.2(KMT2A):c.4013-8T>G

Gene: KMT2A (lysine methyltransferase 2A; plus strand). Cytogenetic location: 11q23.3.
Variant type: single nucleotide variant.
Coding change: c.4013-8T>G on transcript NM_001197104.2 (MANE Select); 8 bases into the intron before coding-DNA position 4013, T replaced by G.
Molecular consequence: intron variant.
Genome position (GRCh38, 1-based): chr11:118,482,414, T>G. VCF-style: chr11-118482414-T-G. GRCh37 (hg19) VCF-style: chr11-118353129-T-G.
Other names: c.4112-8T>G (NM_001412597.1); c.4013-8T>G (NM_005933.4).
Identifiers: ClinVar variation 4292486 (VCV004292486.1).